The following is an entry in ClinVar:

ClinVar aggregate classification (germline): Uncertain significance (0 of 4 stars; one submission).

Conditions:
PLXNA3-related disorder. Also called: PLXNA3-related condition.

Submission:

PreventionGenetics, part of Exact Sciences
Classification: Uncertain significance for PLXNA3-related condition. Last evaluated: 2024-08-28. Review status: no assertion criteria provided. Collection method: clinical testing. Allele origin: germline.
Comment: The PLXNA3 c.3040G>T variant is predicted to result in the amino acid substitution p.Gly1014Trp. To our knowledge, this variant has not been reported in the literature or in a large population database, indicating this variant is rare. At this time, the clinical significance of this variant is uncertain due to the absence of conclusive functional and genetic evidence.

NM_017514.5(PLXNA3):c.3040G>T (p.Gly1014Trp)

Gene: PLXNA3 (plexin A3; plus strand). Cytogenetic location: Xq28.
Variant type: single nucleotide variant.
Coding change: c.3040G>T on transcript NM_017514.5 (MANE Select); coding-DNA position 3040, G replaced by T.
Protein change: p.Gly1014Trp; replaces glycine 1014 with tryptophan.
Molecular consequence: missense variant.
Genome position (GRCh38, 1-based): chrX:154,466,726, G>T. VCF-style: chrX-154466726-G-T. GRCh37 (hg19) VCF-style: chrX-153695069-G-T.
Other names: short protein forms G1014W.
Identifiers: ClinVar variation 3345596 (VCV003345596.1).